The following is an entry in ClinVar:

ClinVar aggregate classification (germline): Uncertain significance (1 of 4 stars; one submission).

Allele frequency attached by ClinVar (database versions not stated): TOPMed below 0.00001; gnomAD 0.00001; gnomAD exomes 0.00001.
gnomAD v4.1: 4 of 1,551,606 alleles (0.00026%); highest among the groups gnomAD compares: Admixed American, 0.0078%; no homozygotes.

Submission:

Labcorp Genetics (formerly Invitae), Labcorp
Classification: Uncertain significance. Last evaluated: 2022-06-14. Review status: criteria provided, single submitter. Criteria: Invitae Variant Classification Sherloc (09022015). Collection method: clinical testing. Allele origin: germline.
Comment: This sequence change replaces lysine, which is basic and polar, with arginine, which is basic and polar, at codon 1407 of the UNC80 protein (p.Lys1407Arg). The frequency data for this variant in the population databases is considered unreliable, as metrics indicate poor data quality at this position in the gnomAD database. This variant has not been reported in the literature in individuals affected with UNC80-related conditions. Algorithms developed to predict the effect of missense changes on protein structure and function are either unavailable or do not agree on the potential impact of this missense change (SIFT: "Not Available"; PolyPhen-2: "Benign"; Align-GVGD: "Not Available"). In summary, the available evidence is currently insufficient to determine the role of this variant in disease. Therefore, it has been classified as a Variant of Uncertain Significance.

NM_001371986.1(UNC80):c.4214A>G (p.Lys1405Arg)

Gene: UNC80 (unc-80 homolog, NALCN channel complex subunit; plus strand). Cytogenetic location: 2q34.
Variant type: single nucleotide variant.
Coding change: c.4214A>G on transcript NM_001371986.1 (MANE Select); coding-DNA position 4214, A replaced by G.
Protein change: p.Lys1405Arg; replaces lysine 1405 with arginine.
Molecular consequence: missense variant.
Genome position (GRCh38, 1-based): chr2:209,888,198, A>G. VCF-style: chr2-209888198-A-G. GRCh37 (hg19) VCF-style: chr2-210752922-A-G.
Other names: c.4205A>G, p.Lys1402Arg (NM_182587.4); c.4220A>G, p.Lys1407Arg (NM_032504.2); short protein forms K1402R, K1407R, K1405R.
Identifiers: ClinVar variation 1912359 (VCV001912359.2), dbSNP rs1257359102, ClinGen allele CA350749981.